The following is an entry in ClinVar:

ClinVar aggregate classification (germline): Uncertain significance (1 of 4 stars; one submission).

Submission:

Ambry Genetics
Classification: Uncertain significance. Last evaluated: 2024-02-09. Review status: criteria provided, single submitter. Criteria: Ambry Variant Classification Scheme 2023. Collection method: clinical testing. Allele origin: germline.
Comment: The p.N246K variant (also known as c.738C>G), located in coding exon 1 of the MLH3 gene, results from a C to G substitution at nucleotide position 738. The asparagine at codon 246 is replaced by lysine, an amino acid with similar properties. This amino acid position is conserved. In addition, the in silico prediction for this alteration is inconclusive. Based on the available evidence, the clinical significance of this alteration remains unclear.

NM_001040108.2(MLH3):c.738C>G (p.Asn246Lys)

Gene: MLH3 (mutL homolog 3; minus strand). Cytogenetic location: 14q24.3.
Variant type: single nucleotide variant.
Coding change: c.738C>G on transcript NM_001040108.2 (MANE Select); coding-DNA position 738, C replaced by G.
Protein change: p.Asn246Lys; replaces asparagine 246 with lysine.
Molecular consequence: missense variant.
Genome position (GRCh38, 1-based): chr14:75,048,918, G>C on the plus strand (C>G on the coding strand, the complement: MLH3 is on the minus strand). VCF-style: chr14-75048918-G-C. GRCh37 (hg19) VCF-style: chr14-75515621-G-C.
Other names: c.738C>G, p.Asn246Lys (NM_014381.3); short protein forms N246K.
Identifiers: ClinVar variation 3232594 (VCV003232594.1), dbSNP rs1293635085, ClinGen allele CA390449343.